The following is an entry in ClinVar:

NM_031486.4(ZNF484):c.1006G>A (p.Ala336Thr)

Gene: ZNF484 (zinc finger protein 484; minus strand). Cytogenetic location: 9q22.31.
Variant type: single nucleotide variant.
Coding change: c.1006G>A on transcript NM_031486.4 (MANE Select); coding-DNA position 1006, G replaced by A.
Protein change: p.Ala336Thr; replaces alanine 336 with threonine.
Molecular consequence: missense variant.
Genome position (GRCh38, 1-based): chr9:92,847,781, C>T on the plus strand (G>A on the coding strand, the complement: ZNF484 is on the minus strand). VCF-style: chr9-92847781-C-T. GRCh37 (hg19) VCF-style: chr9-95610063-C-T.
Other names: c.898G>A, p.Ala300Thr (NM_001261459.3, NM_001261460.3, NM_001354536.2 and 1 more transcripts); c.1057G>A, p.Ala353Thr (NM_001354537.2); c.1012G>A, p.Ala338Thr (NM_001261458.3); short protein forms A300T, A336T, A338T, A353T.
Identifiers: ClinVar variation 4610086 (VCV004610086.1).

ClinVar aggregate classification (germline): Uncertain significance (1 of 4 stars; one submission).

gnomAD v4.1: 23 of 1,613,958 alleles (0.0014%); highest among the groups gnomAD compares: Middle Eastern, 0.099%; no homozygotes.

Submission:

Ambry Genetics
Classification: Uncertain significance. Last evaluated: 2025-10-08. Review status: criteria provided, single submitter. Criteria: Ambry Variant Classification Scheme 2023. Collection method: clinical testing. Allele origin: germline.
Comment: The c.1006G>A (p.A336T) alteration is located in exon 5 (coding exon 4) of the ZNF484 gene. This alteration results from a G to A substitution at nucleotide position 1006, causing the alanine (A) at amino acid position 336 to be replaced by a threonine (T). Based on data from gnomAD, the A allele has an overall frequency of 0.002% (6/248904) total alleles studied. The highest observed frequency was 0.019% (3/16110) of African alleles. Based on insufficient or conflicting evidence, the clinical significance of this alteration remains unclear.